The following is an entry in ClinVar:

ClinVar aggregate classification (germline): Benign/Likely benign. Review status: criteria provided, multiple submitters, no conflicts (2 of 4 stars). 3 submissions from 3 submitters: Benign (1); Likely benign (2). Last evaluated 2026-06-08.

Conditions:
Hereditary cancer-predisposing syndrome. Also called: Neoplastic Syndromes, Hereditary; Tumor predisposition; Hereditary Cancer Syndrome; Hereditary neoplastic syndrome. Identifiers: Orphanet 140162, MedGen C0027672, MeSH D009386, MONDO:0015356.
Hereditary pheochromocytoma and paraganglioma. Also called: Hereditary pheochromocytoma-paraganglioma; Hereditary paragangliomas and pheochromocytomas; Hereditary Paraganglioma-Pheochromocytoma Syndromes. Identifiers: Orphanet 29072, MedGen C4274332, MONDO:0017366.
Pheochromocytoma. Also called: MAX-Related Hereditary Paraganglioma-Pheochromocytoma Syndrome. Identifiers: Orphanet 29072, MedGen C0031511, MONDO:0008233, OMIM 171300, HP:0002666.

Submissions (3):

Myriad Genetics, Inc.
Classification: Benign for Pheochromocytoma. Last evaluated: 2026-06-08. Review status: criteria provided, single submitter. Criteria: Myriad Autosomal Dominant, Autosomal Recessive and X-Linked Classification Criteria (2023). Collection method: clinical testing. Allele origin: unknown.
Comment: This variant is considered benign. This variant is a silent/synonymous amino acid change and it is not expected to impact splicing.

Labcorp Genetics (formerly Invitae), Labcorp
Classification: Likely benign for Hereditary pheochromocytoma and paraganglioma. Last evaluated: 2024-10-23. Review status: criteria provided, single submitter. Criteria: Invitae Variant Classification Sherloc (09022015). Collection method: clinical testing. Allele origin: germline.

Ambry Genetics
Classification: Likely benign for Hereditary cancer-predisposing syndrome. Last evaluated: 2021-10-23. Review status: criteria provided, single submitter. Criteria: Ambry Variant Classification Scheme 2023. Collection method: clinical testing. Allele origin: germline.

NM_002382.5(MAX):c.84T>C (p.His28=)

Genes: MAX (MYC associated transcriptional regulator X; minus strand), MAX-AS1 (MAX antisense RNA 1; plus strand). Cytogenetic location: 14q23.3.
Variant type: single nucleotide variant.
Coding change: c.84T>C on transcript NM_002382.5 (MANE Select); coding-DNA position 84, T replaced by C.
Protein change: p.His28=; no amino-acid change (histidine 28 retained).
Molecular consequence: synonymous variant. On other transcripts: non-coding transcript variant (12), 5 prime UTR variant (6), missense variant (1), intron variant (1).
Genome position (GRCh38, 1-based): chr14:65,093,795, A>G on the plus strand (T>C on the coding strand, the complement: MAX is on the minus strand). VCF-style: chr14-65093795-A-G. GRCh37 (hg19) VCF-style: chr14-65560513-A-G.
Other names: c.57T>C, p.His19= (NM_001271068.2, NM_001271069.2, NM_001407095.1 and 9 more transcripts); c.-191T>C (NM_001320415.2, NM_001407105.1, NM_001407106.1 and 1 more transcripts); c.84T>C, p.His28= (NM_001407094.1, NM_001407096.1, NM_001407097.1 and 5 more transcripts); c.-284T>C (NM_001407111.1, NM_001407112.1); c.107T>C, p.Ile36Thr (NM_001407114.1); c.63+7751T>C (NM_001407098.1); short protein forms I36T.
Identifiers: ClinVar variation 1117117 (VCV001117117.13), dbSNP rs2139886462, ClinGen allele CA486742926.